The following is an entry in ClinVar:

ClinVar aggregate classification (germline): Uncertain significance (1 of 4 stars; one submission).

Submission:

Labcorp Genetics (formerly Invitae), Labcorp
Classification: Uncertain significance. Last evaluated: 2022-04-23. Review status: criteria provided, single submitter. Criteria: Invitae Variant Classification Sherloc (09022015). Collection method: clinical testing. Allele origin: germline.
Comment: This sequence change replaces glutamine, which is neutral and polar, with proline, which is neutral and non-polar, at codon 18 of the TONSL protein (p.Gln18Pro). In summary, the available evidence is currently insufficient to determine the role of this variant in disease. Therefore, it has been classified as a Variant of Uncertain Significance. Algorithms developed to predict the effect of missense changes on protein structure and function are either unavailable or do not agree on the potential impact of this missense change (SIFT: "Deleterious"; PolyPhen-2: "Possibly Damaging"; Align-GVGD: "Class C0"). This variant has not been reported in the literature in individuals affected with TONSL-related conditions. This variant is not present in population databases (gnomAD no frequency).

NM_013432.5(TONSL):c.53A>C (p.Gln18Pro)

Genes: TONSL (tonsoku like, DNA repair protein; minus strand), LOC130001399 (ATAC-STARR-seq lymphoblastoid silent region 19685; plus strand). Cytogenetic location: 8q24.3.
Variant type: single nucleotide variant.
Coding change: c.53A>C on transcript NM_013432.5 (MANE Select); coding-DNA position 53, A replaced by C.
Protein change: p.Gln18Pro; replaces glutamine 18 with proline.
Molecular consequence: missense variant.
Genome position (GRCh38, 1-based): chr8:144,444,248, T>G on the plus strand (A>C on the coding strand, the complement: TONSL is on the minus strand). VCF-style: chr8-144444248-T-G. GRCh37 (hg19) VCF-style: chr8-145669631-T-G.
Other names: short protein forms Q18P.
Identifiers: ClinVar variation 2129743 (VCV002129743.4), dbSNP rs1005105136, ClinGen allele CA187678692.
Genomic context (GRCh38, chr8:144,444,248, plus strand): 5'-GCCAGGAGCTCCCCCAGCTGGTGGCACAGCGCGGCCTCTTCGCGCCGCTGCCCGGCCCTC[T>G]GCGCCTTGGCTTTCGCCTTGCTCAGCTCTGTGGGAGGAAGAGGAGGGCTGGGCCTCCGCG-3'
Protein context (NP_038460.4, residues 8-28): RQLSKAKAKA[Gln18Pro]RAGQRREEAA